The following is an entry in ClinVar:

ClinVar aggregate classification (germline): Uncertain significance (1 of 4 stars; one submission).

Allele frequency attached by ClinVar (database versions not stated): TOPMed below 0.00001; gnomAD 0.00001; ExAC 0.00002; gnomAD exomes 0.00002.
gnomAD v4.1: 15 of 1,614,092 alleles (0.00093%); highest among the groups gnomAD compares: Admixed American, 0.01%; 1 homozygote.

Submission:

GeneDx
Classification: Uncertain significance. Last evaluated: 2023-04-18. Review status: criteria provided, single submitter. Criteria: GeneDx Variant Classification Process June 2021. Collection method: clinical testing. Allele origin: germline. Affected: yes.
Comment: In silico analysis supports that this missense variant does not alter protein structure/function; Has not been previously published as pathogenic or benign to our knowledge

NM_004667.6(HERC2):c.10295C>T (p.Ser3432Phe)

Gene: HERC2 (HECT and RLD domain containing E3 ubiquitin protein ligase 2; minus strand). Cytogenetic location: 15q13.1.
Variant type: single nucleotide variant.
Coding change: c.10295C>T on transcript NM_004667.6 (MANE Select); coding-DNA position 10295, C replaced by T.
Protein change: p.Ser3432Phe; replaces serine 3432 with phenylalanine.
Molecular consequence: missense variant.
Genome position (GRCh38, 1-based): chr15:28,168,525, G>A on the plus strand (C>T on the coding strand, the complement: HERC2 is on the minus strand). VCF-style: chr15-28168525-G-A. GRCh37 (hg19) VCF-style: chr15-28413671-G-A.
Other names: short protein forms S3432F.
Identifiers: ClinVar variation 2662178 (VCV002662178.1), dbSNP rs755672294, ClinGen allele CA7440893.